The following is an entry in ClinVar:

ClinVar aggregate classification (germline): Uncertain significance. Review status: criteria provided, multiple submitters, no conflicts (2 of 4 stars). 2 submissions from 2 submitters: Uncertain significance (2). Last evaluated 2024-04-16.

Conditions:
Hereditary cancer-predisposing syndrome. Also called: Neoplastic Syndromes, Hereditary; Hereditary Cancer Syndrome; Hereditary neoplastic syndrome; Tumor predisposition. Identifiers: Orphanet 140162, MedGen C0027672, MeSH D009386, MONDO:0015356.
Cardiovascular phenotype. Identifiers: MedGen CN230736.
Neurofibromatosis, type 1 (NF1). Also called: Neurofibromatosis, type I; Peripheral type neurofibromatosis; VON RECKLINGHAUSEN DISEASE; NEUROFIBROMATOSIS, TYPE I, SOMATIC. Identifiers: Orphanet 636, MedGen C0027831, MONDO:0018975, OMIM 162200. Disease mechanism: loss of function.

Allele frequency attached by ClinVar (database versions not stated): gnomAD exomes below 0.00001; TOPMed below 0.00001; gnomAD 0.00001.
gnomAD v4.1: 2 of 1,613,920 alleles (0.00012%); highest among the groups gnomAD compares: Non-Finnish European, 0.00017%; no homozygotes.

Submissions (2):

Labcorp Genetics (formerly Invitae), Labcorp
Classification: Uncertain significance for Neurofibromatosis, type 1. Last evaluated: 2024-04-16. Review status: criteria provided, single submitter. Criteria: Invitae Variant Classification Sherloc (09022015). Collection method: clinical testing. Allele origin: germline.
Comment: This sequence change replaces leucine, which is neutral and non-polar, with serine, which is neutral and polar, at codon 2650 of the NF1 protein (p.Leu2650Ser). This variant is not present in population databases (gnomAD no frequency). This variant has not been reported in the literature in individuals affected with NF1-related conditions. ClinVar contains an entry for this variant (Variation ID: 827349). Advanced modeling of protein sequence and biophysical properties (such as structural, functional, and spatial information, amino acid conservation, physicochemical variation, residue mobility, and thermodynamic stability) performed at Invitae indicates that this missense variant is not expected to disrupt NF1 protein function with a negative predictive value of 95%. In summary, the available evidence is currently insufficient to determine the role of this variant in disease. Therefore, it has been classified as a Variant of Uncertain Significance.

Ambry Genetics
Classification: Uncertain significance for Cardiovascular phenotype; Hereditary cancer-predisposing syndrome. Last evaluated: 2018-06-25. Review status: criteria provided, single submitter. Criteria: Ambry Variant Classification Scheme 2023. Collection method: clinical testing. Allele origin: germline.
Comment: The p.L2650S variant (also known as c.7949T>C), located in coding exon 54 of the NF1 gene, results from a T to C substitution at nucleotide position 7949. The leucine at codon 2650 is replaced by serine, an amino acid with dissimilar properties. This amino acid position is well conserved in available vertebrate species. In addition, this alteration is predicted to be tolerated by in silico analysis. Since supporting evidence is limited at this time, the clinical significance of this alteration remains unclear.

NM_001042492.3(NF1):c.8012T>C (p.Leu2671Ser)

Gene: NF1 (neurofibromin 1; plus strand). Cytogenetic location: 17q11.2.
Variant type: single nucleotide variant.
Coding change: c.8012T>C on transcript NM_001042492.3 (MANE Select); coding-DNA position 8012, T replaced by C.
Protein change: p.Leu2671Ser; replaces leucine 2671 with serine.
Molecular consequence: missense variant.
Genome position (GRCh38, 1-based): chr17:31,358,521, T>C. VCF-style: chr17-31358521-T-C. GRCh37 (hg19) VCF-style: chr17-29685539-T-C.
Other names: c.7949T>C, p.Leu2650Ser (NM_000267.4); short protein forms L2650S, L2671S.
Identifiers: ClinVar variation 827349 (VCV000827349.47), dbSNP rs1207124870, ClinGen allele CA399203671.